The following is an entry in ClinVar:

ClinVar aggregate classification (germline): Likely benign (0 of 4 stars; one submission).

Conditions:
EFCAB5-related disorder. Also called: EFCAB5-related condition.

Allele frequency attached by ClinVar (database versions not stated): ESP Exome Variant Server 0.00067; 1000 Genomes Project 30x 0.00094; 1000 Genomes Project 0.00100.
gnomAD v4.1: 186 of 1,601,682 alleles (0.012%); highest among the groups gnomAD compares: African/African-American, 0.21%; 1 homozygote.

Submission:

PreventionGenetics, part of Exact Sciences
Classification: Likely benign for EFCAB5-related condition. Last evaluated: 2019-06-24. Review status: no assertion criteria provided. Collection method: clinical testing. Allele origin: germline.
Comment: This variant is classified as likely benign based on ACMG/AMP sequence variant interpretation guidelines (Richards et al. 2015 PMID: 25741868, with internal and published modifications).

NM_198529.4(EFCAB5):c.2365+5A>G

Gene: EFCAB5 (EF-hand calcium binding domain 5; plus strand). Cytogenetic location: 17q11.2.
Variant type: single nucleotide variant.
Coding change: c.2365+5A>G on transcript NM_198529.4 (MANE Select); 5 bases into the intron after coding-DNA position 2365, A replaced by G.
Molecular consequence: intron variant.
Genome position (GRCh38, 1-based): chr17:30,056,161, A>G. VCF-style: chr17-30056161-A-G. GRCh37 (hg19) VCF-style: chr17-28383179-A-G.
Other names: c.2197+5A>G (NM_001145053.2).
Identifiers: ClinVar variation 3043560 (VCV003043560.2), dbSNP rs150078554, ClinGen allele CA8478983.
Genomic context (GRCh38, chr17:30,056,161, plus strand): 5'-CACATTTGAAGATGAGGAACAGGCAAACTTAATCTATGGTAACTCCAGGTTCACAGGTAC[A>G]TGTTAACAATGAAAGTAGGAATAGATGGCAGTCCAATAGATGGATTTAATTTACTGTGGT-3'